The following is an entry in ClinVar:

NM_014874.4(MFN2):c.838C>T (p.Arg280Cys)

Gene: MFN2 (mitofusin 2; plus strand). Cytogenetic location: 1p36.22.
Variant type: single nucleotide variant.
Coding change: c.838C>T on transcript NM_014874.4 (MANE Select); coding-DNA position 838, C replaced by T.
Protein change: p.Arg280Cys; replaces arginine 280 with cysteine.
Molecular consequence: missense variant.
Genome position (GRCh38, 1-based): chr1:12,001,422, C>T. VCF-style: chr1-12001422-C-T. GRCh37 (hg19) VCF-style: chr1-12061479-C-T.
Other names: c.838C>T, p.Arg280Cys (NM_001127660.2); short protein forms R280C.
Identifiers: ClinVar variation 245809 (VCV000245809.13), dbSNP rs879253957, ClinGen allele CA10584101.
Genomic context (GRCh38, chr1:12,001,422, plus strand): 5'-CACCTACACTCACTCTGGACACATTTGTTTGGGCTCCAGGTGCGGCGGCAGCACATGGAG[C>T]GTTGTACCAGCTTCCTGGTGGATGAGCTGGGCGTGGTGGATCGATCCCAGGCCGGGGACC-3'
Protein context (NP_055689.1, residues 270-290): MEEVRRQHME[Arg280Cys]CTSFLVDELG

ClinVar aggregate classification (germline): Likely pathogenic. Review status: criteria provided, multiple submitters, no conflicts (2 of 4 stars). 4 submissions from 4 submitters: Likely pathogenic (4). Last evaluated 2025-12-19.

Conditions:
Charcot-Marie-Tooth disease type 2. Also called: Charcot-Marie-Tooth type 2. Identifiers: Orphanet 64746, MedGen C0270914, MONDO:0018993.
Multiple system atrophy, cerebellar type. Identifiers: Orphanet 227510, MedGen C5554234, MONDO:0016418.

Submissions (4):

Labcorp Genetics (formerly Invitae), Labcorp
Classification: Likely pathogenic for Charcot-Marie-Tooth disease type 2. Last evaluated: 2025-12-19. Review status: criteria provided, single submitter. Criteria: Invitae Variant Classification Sherloc (09022015). Collection method: clinical testing. Allele origin: germline.
Comment: This sequence change replaces arginine, which is basic and polar, with cysteine, which is neutral and slightly polar, at codon 280 of the MFN2 protein (p.Arg280Cys). This variant is not present in population databases (gnomAD no frequency). This missense change has been observed in individual(s) with clinical features of Charcot-Marie-Tooth disease (PMID: 33879512, 37838930, 38170145). ClinVar contains an entry for this variant (Variation ID: 245809). Invitae Evidence Modeling of protein sequence and biophysical properties (such as structural, functional, and spatial information, amino acid conservation, physicochemical variation, residue mobility, and thermodynamic stability) indicates that this missense variant is expected to disrupt MFN2 protein function with a positive predictive value of 95%. This variant disrupts the p.Arg280 amino acid residue in MFN2. Other variant(s) that disrupt this residue have been determined to be pathogenic (PMID: 15064763, 16835246, 24957169, 27088055, 27549087). This suggests that this residue is clinically significant, and that variants that disrupt this residue are likely to be disease-causing. In summary, the currently available evidence indicates that the variant is pathogenic, but additional data are needed to prove that conclusively. Therefore, this variant has been classified as Likely Pathogenic.

GeneDx
Classification: Likely pathogenic. Last evaluated: 2023-08-24. Review status: criteria provided, single submitter. Criteria: GeneDx Variant Classification Process June 2021. Collection method: clinical testing. Allele origin: germline. Affected: yes.
Comment: In silico analysis supports that this missense variant has a deleterious effect on protein structure/function; Not observed at significant frequency in large population cohorts (gnomAD); This variant is associated with the following publications: (PMID: 24863639, 32123317, 25614874, 33879512)

Revvity Omics, Revvity
Classification: Likely pathogenic. Last evaluated: 2023-07-20. Review status: criteria provided, single submitter. Criteria: ACMG Guidelines, 2015. Collection method: clinical testing. Allele origin: germline.

Provincial Medical Genetics Program of British Columbia, University of British Columbia
Classification: Likely pathogenic for Multiple system atrophy, cerebellar type. Last evaluated: 2022-05-20. Review status: criteria provided, single submitter. Criteria: ACMG Guidelines, 2015. Collection method: clinical testing. Allele origin: unknown. Inheritance: Sporadic. Affected: yes. Observed: 1 heterozygote.

Literature cited by the submitters: PubMed 33879512 (cited by Labcorp Genetics (formerly Invitae), Labcorp); PubMed 37838930 (cited by Labcorp Genetics (formerly Invitae), Labcorp); PubMed 38170145 (cited by Labcorp Genetics (formerly Invitae), Labcorp); PubMed 15064763 (cited by Labcorp Genetics (formerly Invitae), Labcorp); PubMed 16835246 (cited by Labcorp Genetics (formerly Invitae), Labcorp); PubMed 24957169 (cited by Labcorp Genetics (formerly Invitae), Labcorp); PubMed 27088055 (cited by Labcorp Genetics (formerly Invitae), Labcorp); PubMed 27549087 (cited by Labcorp Genetics (formerly Invitae), Labcorp).